The following is an entry in ClinVar:

ClinVar aggregate classification (germline): Uncertain significance (1 of 4 stars; one submission).

Conditions:
Intellectual disability. Also called: intellectual disabilities; Intellectual developmental disorder; Intellectual functioning disability. Identifiers: MedGen C3714756, MeSH D008607, MONDO:0001071, HP:0001249.

Allele frequency attached by ClinVar (database versions not stated): TOPMed below 0.00001; gnomAD 0.00001; gnomAD exomes below 0.00001.
gnomAD v4.1: 2 of 1,614,040 alleles (0.00012%); highest among the groups gnomAD compares: African/African-American, 0.0013%; no homozygotes.

Submission:

Labcorp Genetics (formerly Invitae), Labcorp
Classification: Uncertain significance for Intellectual disability. Last evaluated: 2024-09-30. Review status: criteria provided, single submitter. Criteria: Invitae Variant Classification Sherloc (09022015). Collection method: clinical testing. Allele origin: germline.
Comment: This sequence change replaces alanine, which is neutral and non-polar, with serine, which is neutral and polar, at codon 461 of the GABRB2 protein (p.Ala461Ser). This variant is not present in population databases (gnomAD no frequency). This variant has not been reported in the literature in individuals affected with GABRB2-related conditions. ClinVar contains an entry for this variant (Variation ID: 643730). Invitae Evidence Modeling of protein sequence and biophysical properties (such as structural, functional, and spatial information, amino acid conservation, physicochemical variation, residue mobility, and thermodynamic stability) indicates that this missense variant is not expected to disrupt GABRB2 protein function with a negative predictive value of 95%. In summary, the available evidence is currently insufficient to determine the role of this variant in disease. Therefore, it has been classified as a Variant of Uncertain Significance.

NM_001371727.1(GABRB2):c.1381G>T (p.Ala461Ser)

Gene: GABRB2 (gamma-aminobutyric acid type A receptor subunit beta2; minus strand). Cytogenetic location: 5q34.
Variant type: single nucleotide variant.
Coding change: c.1381G>T on transcript NM_001371727.1 (MANE Select); coding-DNA position 1381, G replaced by T.
Protein change: p.Ala461Ser; replaces alanine 461 with serine.
Molecular consequence: missense variant.
Genome position (GRCh38, 1-based): chr5:161,294,239, C>A on the plus strand (G>T on the coding strand, the complement: GABRB2 is on the minus strand). VCF-style: chr5-161294239-C-A. GRCh37 (hg19) VCF-style: chr5-160721246-C-A.
Other names: c.1381G>T, p.Ala461Ser (NM_021911.3); c.1267G>T, p.Ala423Ser (NM_000813.3); short protein forms A423S, A461S.
Identifiers: ClinVar variation 643730 (VCV000643730.9), dbSNP rs1580953898, ClinGen allele CA362173268.